The following is an entry in ClinVar:

NM_002473.6(MYH9):c.287C>T (p.Ser96Leu)

Gene: MYH9 (myosin heavy chain 9; minus strand). Cytogenetic location: 22q12.3.
Variant type: single nucleotide variant.
Coding change: c.287C>T on transcript NM_002473.6 (MANE Select); coding-DNA position 287, C replaced by T.
Protein change: p.Ser96Leu; replaces serine 96 with leucine.
Molecular consequence: missense variant.
Genome position (GRCh38, 1-based): chr22:36,348,950, G>A on the plus strand (C>T on the coding strand, the complement: MYH9 is on the minus strand). VCF-style: chr22-36348950-G-A. GRCh37 (hg19) VCF-style: chr22-36744995-G-A.
Other names: c.287C>T (NM_002473.5); short protein forms S96L.
Identifiers: ClinVar variation 14083 (VCV000014083.47), dbSNP rs121913657, ClinGen allele CA257103.

ClinVar aggregate classification (germline): Pathogenic/Likely pathogenic. Review status: criteria provided, multiple submitters, no conflicts (2 of 4 stars). 13 submissions from 13 submitters: Pathogenic (8); Likely pathogenic (2). 3 of the submissions do not count toward it. Last evaluated 2024-12-18.

Conditions:
MYH9-related disorder. Identifiers: MedGen C1854520.
Autosomal dominant nonsyndromic hearing loss 17. Also called: Deafness, autosomal dominant 17; Autosomal dominant nonsyndromic deafness 17. Identifiers: Orphanet 90635, MedGen C1863659, MONDO:0011350, OMIM 603622.
Macrothrombocytopenia and granulocyte inclusions with or without nephritis or sensorineural hearing loss (MATINS). Also called: MAY-HEGGLIN ANOMALY; MACROTHROMBOCYTOPENIA WITH LEUKOCYTE INCLUSIONS; BLEEDING DISORDER, PLATELET-TYPE, 6; DOHLE LEUKOCYTE INCLUSIONS WITH GIANT PLATELETS; SEBASTIAN PLATELET SYNDROME; MACROTHROMBOCYTOPENIA WITH DISPERSED LEUKOCYTIC INCLUSIONS. Identifiers: Orphanet 182050, MedGen C5200934, MONDO:0015912, OMIM 155100.

Submissions (13):

3billion
Classification: Pathogenic for Macrothrombocytopenia and granulocyte inclusions with or without nephritis or sensorineural hearing loss. Last evaluated: 2024-12-18. Review status: criteria provided, single submitter. Criteria: ACMG Guidelines, 2015. Collection method: clinical testing. Allele origin: germline. Affected: yes.
Comment: The variant is not observed in the gnomAD v4.1.0 dataset. Predicted Consequence/Location: Missense variant. Missense changes are a common disease-causing mechanism. In silico tool predictions suggest damaging effect of the variant on gene or gene product [REVEL: 0.94 (>=0.6, sensitivity 0.68 and specificity 0.92); 3Cnet: 0.80 (>=0.6, sensitivity 0.72 and precision 0.9)]. The same nucleotide change resulting in the same amino acid change has been previously reported as pathogenic/likely pathogenic with strong evidence (ClinVar ID: VCV000014083 /PMID: 11752022). The variant has been previously reported as assumed (i.e. paternity and maternity not confirmed) de novo in at least one similarly affected unrelated individual (PMID: 11752022). Therefore, this variant is classified as Pathogenic according to the recommendation of ACMG/AMP guideline.

Blueprint Genetics
Classification: Pathogenic for MYH9-related disorders. Last evaluated: 2024-04-16. Review status: criteria provided, single submitter. Criteria: ACMG Guidelines, 2015. Collection method: clinical testing. Allele origin: germline. Affected: yes. Observed: 1 variant allele.

Labcorp Genetics (formerly Invitae), Labcorp
Classification: Pathogenic. Last evaluated: 2024-04-08. Review status: criteria provided, single submitter. Criteria: Invitae Variant Classification Sherloc (09022015). Collection method: clinical testing. Allele origin: germline.
Comment: This sequence change replaces serine, which is neutral and polar, with leucine, which is neutral and non-polar, at codon 96 of the MYH9 protein (p.Ser96Leu). This variant is not present in population databases (gnomAD no frequency). This missense change has been observed in individual(s) with MYH9-related conditions (PMID: 11752022, 24186861). In at least one individual the variant was observed to be de novo. ClinVar contains an entry for this variant (Variation ID: 14083). Advanced modeling of protein sequence and biophysical properties (such as structural, functional, and spatial information, amino acid conservation, physicochemical variation, residue mobility, and thermodynamic stability) has been performed at Invitae for this missense variant, however the output from this modeling did not meet the statistical confidence thresholds required to predict the impact of this variant on MYH9 protein function. Experimental studies have shown that this missense change affects MYH9 function (PMID: 22123909). For these reasons, this variant has been classified as Pathogenic.

GeneDx
Classification: Pathogenic. Last evaluated: 2024-02-14. Review status: criteria provided, single submitter. Criteria: GeneDx Variant Classification Process June 2021. Collection method: clinical testing. Allele origin: germline. Affected: yes.
Comment: Not observed at significant frequency in large population cohorts (gnomAD); In silico analysis, which includes protein predictors and evolutionary conservation, supports a deleterious effect; This variant is associated with the following publications: (PMID: 23940247, 30214762, 16098078, 32447941, 31064749, 35125114, 35537118, 24186861, 23409987, 11752022, 32520844, 29782633, 26226608, 29801666, 29797310, 28780565, 29199357, 29090586, 18059020, 21210153, 16969870, 12533692, 28960434, 20174760, 24165359, 25077172, 29143464, 29532554, 22273764, 30471777, 30720677, 30431218, 31562665, 32581362, 33855781, 28983057, 32604935, 35295078)

CeGaT Center for Human Genetics Tuebingen
Classification: Pathogenic. Last evaluated: 2023-08-01. Review status: criteria provided, single submitter. Criteria: CeGaT Center For Human Genetics Tuebingen Variant Classification Criteria Version 2. Collection method: clinical testing. Allele origin: germline. Affected: yes. Observed: 1 variant allele.
Comment: MYH9: PM2, PP4:Moderate, PS2:Moderate, PS4:Moderate, PP3, PS3:Supporting

Women's Health and Genetics/Laboratory Corporation of America, LabCorp
Classification: Pathogenic for Macrothrombocytopenia and granulocyte inclusions with or without nephritis or sensorineural hearing loss. Last evaluated: 2021-12-03. Review status: criteria provided, single submitter. Criteria: LabCorp Variant Classification Summary - May 2015. Collection method: clinical testing. Allele origin: germline.
Comment: Variant summary: MYH9 c.287C>T (p.Ser96Leu) results in a non-conservative amino acid change located in the Myosin head, motor domain (IPR001609) of the encoded protein sequence. Five of five in-silico tools predict a damaging effect of the variant on protein function. The variant was absent in 251418 control chromosomes (gnomAD). c.287C>T has been reported in the literature in multiple individuals affected with Macrothrombocytopenia And Granulocyte Inclusions With Or Without Nephritis Or Sensorineural Hearing Loss (example: Arrondel_2002, Pecci_2008, Furlano_2019, Park_2020). The variant is also documented to have arisen de novo in affected patients from two unrelated families with no history of disease (Arrondel_2002). These data indicate that the variant is very likely to be associated with disease. At least one publication reports experimental evidence evaluating an impact of the mutant protein on cellular function, where enriched ex vivo Natural Killer cells from a patient with the variant had diminished cytotoxic abilities in vitro (Sanborn_2011). Four ClinVar submitters have assessed the variant since 2014: one classified the variant as likely pathogenic and three as pathogenic. Based on the evidence outlined above, the variant was classified as pathogenic.

Victorian Clinical Genetics Services, Murdoch Childrens Research Institute
Classification: Pathogenic for Macrothrombocytopenia and granulocyte inclusions with or without nephritis or sensorineural hearing loss. Last evaluated: 2020-05-25. Review status: criteria provided, single submitter. Criteria: ACMG Guidelines, 2015. Collection method: clinical testing. Allele origin: germline. Inheritance: Autosomal dominant inheritance. Affected: yes.
Comment: Based on the classification scheme VCGS_Germline_v1.1.1, this variant is classified as pathogenic. Following criteria are met: 0102 - Loss-of-function is a known mechanism of disease for this gene. (N) 0104 - Dominant Negative is a mechanism of disease for this gene. (N) 0107 - This gene is known to be associated with autosomal dominant disease. (N) 0200 - Variant is predicted to result in a missense amino acid change from a serine to a leucine (exon 2). (N) 0251 - Variant is heterozygous. (N) 0301 - Variant is absent from gnomAD. (P) 0501 - Missense variant consistently predicted to be damaging by multiple in silico tools and is highly conserved with a major amino acid change. (P) 0600 - Variant is located in an annotated domain or motif (myosin motor domain; PDB, NCBI). (N) 0705 - No comparable variants have previous evidence for pathogenicity. (N) 0801 - Strong previous evidence of pathogenicity in multiple individuals with MYH9-related disorder or macrothrombocytopenia (ClinVar, PMID:12533692, PMID:29782633, PMID:29532554, PMID:26226608). (P) 0905 - No segregation evidence has been identified for this variant. (N) 1001 - Strong functional evidence supporting abnormal protein localization within patient cells (PMID:12533692). (P) 1208 - Inheritance information for this variant is not currently available. (N) Legend: (P) - Pathogenic, (N) - Neutral, (B) - Benign

Molecular Biology Laboratory, Fundació Puigvert
Classification: Likely pathogenic for Macrothrombocytopenia and granulocyte inclusions with or without nephritis or sensorineural hearing loss. Last evaluated: 2020-02-01. Review status: criteria provided, single submitter. Criteria: ACMG Guidelines, 2015. Collection method: research. Allele origin: maternal. Affected: yes. Study: KidneyPanel_2020.

NIHR Bioresource Rare Diseases, University of Cambridge
Classification: Pathogenic for MYH9-related disorder. Last evaluated: 2018-12-12. Review status: criteria provided, single submitter. Criteria: ACMG Guidelines, 2015. Collection method: research. Allele origin: unknown. Inheritance: Autosomal dominant inheritance. Affected: yes. Observed: 4 heterozygotes.
Comment: PS4, PM1, PM2, PP4, PP3

ISTH-SSC Genomics in Thrombosis and Hemostasis, KU Leuven, Center for Molecular and Vascular Biology
Classification: Likely pathogenic for Macrothrombocytopenia and granulocyte inclusions with or without nephritis or sensorineural hearing loss. Review status: criteria provided, single submitter. Criteria: ACMG Guidelines, 2015. Collection method: clinical testing. Allele origin: germline. Affected: yes. Observed: 3 heterozygotes. Clinical features observed: Deafness, Macrothrombocytopenia, Presence of neutrophil inclusion bodies, Presence of Döhle bodies.
Comment: Submitted to GoldVariant by Jose María Bastida and José Rivera; Grupo Español de Alteraciones Plaquetarias Congénitas (GEAPC)

Division of Human Genetics, Children's Hospital of Philadelphia
Classification: Pathogenic for Autosomal dominant nonsyndromic hearing loss 17. Last evaluated: 2016-05-28. Review status: no assertion criteria provided. Collection method: research. Allele origin: paternal. Affected: yes. Study: CSER-PediSeq. Not counted in ClinVar's aggregate classification.

OMIM
Classification: Pathogenic for MACROTHROMBOCYTOPENIA AND GRANULOCYTE INCLUSIONS WITH OR WITHOUT NEPHRITIS OR SENSORINEURAL HEARING LOSS. Last evaluated: 2006-10-15. Review status: no assertion criteria provided. Collection method: literature only. Allele origin: germline. Not counted in ClinVar's aggregate classification.

GeneReviews
No classification provided. Condition: Macrothrombocytopenia and granulocyte inclusions with or without nephritis or sensorineural hearing loss. Review status: no classification provided. Collection method: literature only. Allele origin: germline. Not counted in ClinVar's aggregate classification.

Literature cited by the submitters: PubMed 11752022 (cited by 5 submitters); PubMed 24186861 (cited by Labcorp Genetics (formerly Invitae), Labcorp and Division of Human Genetics, Children's Hospital of Philadelphia); PubMed 22123909 (cited by Labcorp Genetics (formerly Invitae), Labcorp and Women's Health and Genetics/Laboratory Corporation of America, LabCorp); PubMed 30471777 (cited by Women's Health and Genetics/Laboratory Corporation of America, LabCorp); PubMed 32604935 (cited by Women's Health and Genetics/Laboratory Corporation of America, LabCorp); PubMed 18059020 (cited by Women's Health and Genetics/Laboratory Corporation of America, LabCorp); PubMed 12533692 (cited by Victorian Clinical Genetics Services, Murdoch Childrens Research Institute and OMIM); PubMed 26226608 (cited by Victorian Clinical Genetics Services, Murdoch Childrens Research Institute and Division of Human Genetics, Children's Hospital of Philadelphia); PubMed 29532554 (cited by Victorian Clinical Genetics Services, Murdoch Childrens Research Institute); PubMed 29782633 (cited by Victorian Clinical Genetics Services, Murdoch Childrens Research Institute); PubMed 33532864 (cited by Molecular Biology Laboratory, Fundació Puigvert); PubMed 10973259 (cited by ISTH-SSC Genomics in Thrombosis and Hemostasis, KU Leuven, Center for Molecular and Vascular Biology); PubMed 23409987 (cited by Division of Human Genetics, Children's Hospital of Philadelphia); PubMed 16969870 (cited by Division of Human Genetics, Children's Hospital of Philadelphia and OMIM); NCBI Bookshelf NBK2689 (cited by GeneReviews).